The following is an entry in ClinVar:

NM_000535.7(PMS2):c.2339_2343del (p.Pro780fs)

Gene: PMS2 (PMS1 homolog 2, mismatch repair system component; minus strand). Cytogenetic location: 7p22.1.
Variant type: Deletion.
Coding change: c.2339_2343del on transcript NM_000535.7 (MANE Select); coding-DNA positions 2339 to 2343, 5 bases deleted (CCCAG; older notation c.2339_2343delCCCAG).
Protein change: p.Pro780fs; shifts the reading frame from proline 780.
Molecular consequence: frameshift variant. On other transcripts: non-coding transcript variant (1).
Genome position (GRCh38, 1-based): chr7:5,977,690-5,977,694, CTGGG deleted on the plus strand (CCCAG on the coding strand, the reverse complement: PMS2 is on the minus strand). VCF-style (leftmost placement, unchanged base first): chr7-5977689-CCTGGG-C. GRCh37 (hg19) VCF-style: chr7-6017320-CCTGGG-C.
Other names: c.1934_1938delCCCAG, p.Pro645Argfs (NM_001018040.1); c.1934_1938del, p.Pro645fs (NM_001322003.2, NM_001322004.2, NM_001322005.2 and 11 more transcripts); c.2183_2187del, p.Pro728fs (NM_001322006.2); c.2021_2025del, p.Pro674fs (NM_001322007.2, NM_001322008.2, NM_001406883.1); c.1967_1971del, p.Pro656fs (NM_001322009.2, NM_001406887.1, NM_001406888.1); c.1778_1782del, p.Pro593fs (NM_001322010.2, NM_001406906.1, NM_001406907.1); c.1406_1410del, p.Pro469fs (NM_001322011.2, NM_001322012.2); c.1766_1770del, p.Pro589fs (NM_001322013.2, NM_001406908.1, NM_001406909.1); and 21 more; short protein forms P469fs, P589fs, P593fs, P739fs, P780fs, P379fs, P609fs, P622fs.
Identifiers: ClinVar variation 2749817 (VCV002749817.3), dbSNP rs2535328206, ClinGen allele CA2697553819.

ClinVar aggregate classification (germline): Pathogenic (1 of 4 stars; one submission).

Conditions:
Hereditary nonpolyposis colorectal neoplasms. Identifiers: MedGen C0009405, MeSH D003123.

Submission:

Labcorp Genetics (formerly Invitae), Labcorp
Classification: Pathogenic for Hereditary nonpolyposis colorectal neoplasms. Last evaluated: 2023-05-30. Review status: criteria provided, single submitter. Criteria: Invitae Variant Classification Sherloc (09022015). Collection method: clinical testing. Allele origin: germline.
Comment: For these reasons, this variant has been classified as Pathogenic. This variant has not been reported in the literature in individuals affected with PMS2-related conditions. The frequency data for this variant in the population databases (gnomAD) is considered unreliable due to the presence of homologous sequence, such as pseudogenes or paralogs, in the genome. This sequence change creates a premature translational stop signal (p.Pro780Argfs*4) in the PMS2 gene. It is expected to result in an absent or disrupted protein product. Loss-of-function variants in PMS2 are known to be pathogenic (PMID: 21376568, 24362816).

Literature cited by the submitters: PubMed 21376568; PubMed 24362816.